The following is an entry in ClinVar:

ClinVar aggregate classification (germline): Uncertain significance (1 of 4 stars; one submission).

Conditions:
Cone-rod dystrophy 6 (CORD6). Also called: RETINAL CONE DYSTROPHY 2; Cone dystrophy progressive. Identifiers: Orphanet 1872, MedGen C1866293, MONDO:0011143, OMIM 601777.
Leber congenital amaurosis 1 (LCA1). Also called: AMAUROSIS CONGENITA OF LEBER I; Congenital absence of the rods and cones; Leber's congenital tapetoretinal degeneration; Leber's congenital tapetoretinal dysplasia; RETINAL BLINDNESS, CONGENITAL. Identifiers: Orphanet 65, MedGen C2931258, MONDO:0008764, OMIM 204000.

gnomAD v4.1: 1 of 1,584,864 alleles (0.000063%); highest among the groups gnomAD compares: African/African-American, 0.0013%; no homozygotes.

Submission:

Labcorp Genetics (formerly Invitae), Labcorp
Classification: Uncertain significance for Leber congenital amaurosis 1; Cone-rod dystrophy 6. Last evaluated: 2024-09-17. Review status: criteria provided, single submitter. Criteria: Invitae Variant Classification Sherloc (09022015). Collection method: clinical testing. Allele origin: germline.
Comment: This sequence change replaces glycine, which is neutral and non-polar, with serine, which is neutral and polar, at codon 180 of the GUCY2D protein (p.Gly180Ser). The frequency data for this variant in the population databases is considered unreliable, as metrics indicate poor data quality at this position in the gnomAD database. This variant has not been reported in the literature in individuals affected with GUCY2D-related conditions. Invitae Evidence Modeling of protein sequence and biophysical properties (such as structural, functional, and spatial information, amino acid conservation, physicochemical variation, residue mobility, and thermodynamic stability) indicates that this missense variant is not expected to disrupt GUCY2D protein function with a negative predictive value of 80%. In summary, the available evidence is currently insufficient to determine the role of this variant in disease. Therefore, it has been classified as a Variant of Uncertain Significance.

NM_000180.4(GUCY2D):c.538G>A (p.Gly180Ser)

Gene: GUCY2D (guanylate cyclase 2D, retinal; plus strand). Cytogenetic location: 17p13.1.
Variant type: single nucleotide variant.
Coding change: c.538G>A on transcript NM_000180.4 (MANE Select); coding-DNA position 538, G replaced by A.
Protein change: p.Gly180Ser; replaces glycine 180 with serine.
Molecular consequence: missense variant.
Genome position (GRCh38, 1-based): chr17:8,003,585, G>A. VCF-style: chr17-8003585-G-A. GRCh37 (hg19) VCF-style: chr17-7906903-G-A.
Other names: short protein forms G180S.
Identifiers: ClinVar variation 3763059 (VCV003763059.2).